The following is an entry in ClinVar:

NM_003896.4(ST3GAL5):c.922A>G (p.Ile308Val)

Gene: ST3GAL5 (ST3 beta-galactoside alpha-2,3-sialyltransferase 5; minus strand). Cytogenetic location: 2p11.2.
Variant type: single nucleotide variant.
Coding change: c.922A>G on transcript NM_003896.4 (MANE Select); coding-DNA position 922, A replaced by G.
Protein change: p.Ile308Val; replaces isoleucine 308 with valine.
Molecular consequence: missense variant. On other transcripts: intron variant (1).
Genome position (GRCh38, 1-based): chr2:85,844,482, T>C on the plus strand (A>G on the coding strand, the complement: ST3GAL5 is on the minus strand). VCF-style: chr2-85844482-T-C. GRCh37 (hg19) VCF-style: chr2-86071605-T-C.
Other names: c.538A>G, p.Ile180Val (NM_001354234.1, NM_001354248.1, NM_001354223.2 and 3 more transcripts); c.838A>G, p.Ile280Val (NM_001354238.1, NM_001354227.2, NM_001354229.2); c.199A>G, p.Ile67Val (NM_001354247.1); c.849+1895A>G (NM_001363847.1); c.853A>G, p.Ile285Val (NM_001042437.2); short protein forms I180V, I280V, I285V, I308V, I67V.
Identifiers: ClinVar variation 1023405 (VCV001023405.7), dbSNP rs1444325254, ClinGen allele CA347503538.

ClinVar aggregate classification (germline): Uncertain significance (1 of 4 stars; one submission).

Conditions:
GM3 synthase deficiency (SPDRS). Also called: SALT AND PEPPER MENTAL RETARDATION SYNDROME; SALT AND PEPPER DEVELOPMENTAL REGRESSION SYNDROME; AMISH INFANTILE EPILEPSY SYNDROME. Identifiers: Orphanet 171714, Orphanet 370933, MedGen C1836824, MONDO:0018274, OMIM 609056.

Allele frequency attached by ClinVar (database versions not stated): gnomAD exomes below 0.00001.
gnomAD v4.1: 2 of 1,614,176 alleles (0.00012%); highest among the groups gnomAD compares: Admixed American, 0.0033%; no homozygotes.

Submission:

Labcorp Genetics (formerly Invitae), Labcorp
Classification: Uncertain significance for GM3 synthase deficiency. Last evaluated: 2024-02-17. Review status: criteria provided, single submitter. Criteria: Invitae Variant Classification Sherloc (09022015). Collection method: clinical testing. Allele origin: germline.
Comment: This sequence change replaces isoleucine, which is neutral and non-polar, with valine, which is neutral and non-polar, at codon 308 of the ST3GAL5 protein (p.Ile308Val). This variant is present in population databases (no rsID available, gnomAD 0.003%). This variant has not been reported in the literature in individuals affected with ST3GAL5-related conditions. ClinVar contains an entry for this variant (Variation ID: 1023405). Advanced modeling of protein sequence and biophysical properties (such as structural, functional, and spatial information, amino acid conservation, physicochemical variation, residue mobility, and thermodynamic stability) performed at Invitae indicates that this missense variant is not expected to disrupt ST3GAL5 protein function with a negative predictive value of 80%. Algorithms developed to predict the effect of sequence changes on RNA splicing suggest that this variant may disrupt the consensus splice site. In summary, the available evidence is currently insufficient to determine the role of this variant in disease. Therefore, it has been classified as a Variant of Uncertain Significance.